The following is an entry in ClinVar:

NM_018975.4(TERF2IP):c.10G>T (p.Ala4Ser)

Gene: TERF2IP (TERF2 interacting protein; plus strand). Cytogenetic location: 16q23.1.
Variant type: single nucleotide variant.
Coding change: c.10G>T on transcript NM_018975.4 (MANE Select); coding-DNA position 10, G replaced by T.
Protein change: p.Ala4Ser; replaces alanine 4 with serine.
Molecular consequence: missense variant. On other transcripts: non-coding transcript variant (1).
Genome position (GRCh38, 1-based): chr16:75,647,892, G>T. VCF-style: chr16-75647892-G-T. GRCh37 (hg19) VCF-style: chr16-75681790-G-T.
Other names: short protein forms A4S.
Identifiers: ClinVar variation 3455129 (VCV003455129.1).

ClinVar aggregate classification (germline): Uncertain significance (1 of 4 stars; one submission).

Submission:

Ambry Genetics
Classification: Uncertain significance. Last evaluated: 2024-10-21. Review status: criteria provided, single submitter. Criteria: Ambry Variant Classification Scheme 2023. Collection method: clinical testing. Allele origin: germline.
Comment: The p.A4S variant (also known as c.10G>T), located in coding exon 1 of the TERF2IP gene, results from a G to T substitution at nucleotide position 10. The alanine at codon 4 is replaced by serine, an amino acid with similar properties. This amino acid position is conserved. In addition, this alteration is predicted to be tolerated by in silico analysis. Based on the available evidence, the clinical significance of this variant remains unclear.